The following is an entry in ClinVar:

NM_006218.4(PIK3CA):c.2119G>A (p.Glu707Lys)

Gene: PIK3CA (phosphatidylinositol-4,5-bisphosphate 3-kinase catalytic subunit alpha; plus strand). Cytogenetic location: 3q26.32.
Variant type: single nucleotide variant.
Coding change: c.2119G>A on transcript NM_006218.4 (MANE Select); coding-DNA position 2119, G replaced by A.
Protein change: p.Glu707Lys; replaces glutamic acid 707 with lysine.
Molecular consequence: missense variant.
Genome position (GRCh38, 1-based): chr3:179,221,089, G>A. VCF-style: chr3-179221089-G-A. GRCh37 (hg19) VCF-style: chr3-178938877-G-A.
Other names: short protein forms E707K.
Identifiers: ClinVar variation 948059 (VCV000948059.10), dbSNP rs3729687, ClinGen allele CA88528801.

ClinVar aggregate classification (germline): Uncertain significance (1 of 4 stars; one submission).

Conditions:
Cowden syndrome (CS). Also called: Cowden's disease; Cowden's syndrome; Cowden disease. Identifiers: Orphanet 201, MedGen C0018553, MONDO:0016063. Disease mechanism: gain of function.

Submission:

Labcorp Genetics (formerly Invitae), Labcorp
Classification: Uncertain significance for Cowden syndrome. Last evaluated: 2019-04-26. Review status: criteria provided, single submitter. Criteria: Invitae Variant Classification Sherloc (09022015). Collection method: clinical testing. Allele origin: germline.
Comment: This sequence change replaces glutamic acid with lysine at codon 707 of the PIK3CA protein (p.Glu707Lys). The glutamic acid residue is highly conserved and there is a small physicochemical difference between glutamic acid and lysine. This variant is not present in population databases (ExAC no frequency). This variant has not been reported in the literature in individuals with PIK3CA-related conditions. Algorithms developed to predict the effect of missense changes on protein structure and function are either unavailable or do not agree on the potential impact of this missense change (SIFT: "Tolerated"; PolyPhen-2: "Probably Damaging"; Align-GVGD: "Class C0"). In summary, the available evidence is currently insufficient to determine the role of this variant in disease. Therefore, it has been classified as a Variant of Uncertain Significance.